The following is an entry in ClinVar:

ClinVar aggregate classification (germline): Pathogenic/Likely pathogenic. Review status: criteria provided, multiple submitters, no conflicts (2 of 4 stars). 2 submissions from 2 submitters: Pathogenic (1); Likely pathogenic (1). Last evaluated 2025-04-29.

Conditions:
Fanconi anemia complementation group A (FANCA). Also called: Fanconi anemia, group A; FANCA-Related Fanconi Anemia. Identifiers: Orphanet 84, MedGen C3469521, MONDO:0009215, OMIM 227650.
Fanconi anemia (FA). Also called: Fanconi's anemia. Identifiers: Orphanet 84, MedGen C0015625, MeSH D005199, MONDO:0019391.

Submissions (2):

Labcorp Genetics (formerly Invitae), Labcorp
Classification: Likely pathogenic for Fanconi anemia. Last evaluated: 2025-04-29. Review status: criteria provided, single submitter. Criteria: Invitae Variant Classification Sherloc (09022015). Collection method: clinical testing. Allele origin: germline.
Comment: This sequence change affects an acceptor splice site in intron 16 of the FANCA gene. It is expected to disrupt RNA splicing. Variants that disrupt the donor or acceptor splice site typically lead to a loss of protein function (PMID: 16199547), and loss-of-function variants in FANCA are known to be pathogenic (PMID: 19367192). This variant is not present in population databases (gnomAD no frequency). Disruption of this splice site has been observed in individual(s) with Fanconi anemia (PMID: 30792206). ClinVar contains an entry for this variant (Variation ID: 1322872). Algorithms developed to predict the effect of sequence changes on RNA splicing suggest that this variant may disrupt the consensus splice site. In summary, the currently available evidence indicates that the variant is pathogenic, but additional data are needed to prove that conclusively. Therefore, this variant has been classified as Likely Pathogenic.

Revvity Omics, Revvity
Classification: Pathogenic for Fanconi anemia complementation group A. Last evaluated: 2025-03-31. Review status: criteria provided, single submitter. Criteria: ACMG Guidelines, 2015. Collection method: clinical testing. Allele origin: germline.

Literature cited by the submitters: PubMed 16199547 (cited by Labcorp Genetics (formerly Invitae), Labcorp); PubMed 19367192 (cited by Labcorp Genetics (formerly Invitae), Labcorp); PubMed 30792206 (cited by Labcorp Genetics (formerly Invitae), Labcorp).

NM_000135.4(FANCA):c.1567-1G>C

Gene: FANCA (FA complementation group A; minus strand). Cytogenetic location: 16q24.3.
Variant type: single nucleotide variant.
Coding change: c.1567-1G>C on transcript NM_000135.4 (MANE Select); the canonical splice acceptor site of the intron before coding-DNA position 1567, G replaced by C.
Molecular consequence: splice acceptor variant.
Genome position (GRCh38, 1-based): chr16:89,782,919, C>G on the plus strand (G>C on the coding strand, the complement: FANCA is on the minus strand). VCF-style: chr16-89782919-C-G. GRCh37 (hg19) VCF-style: chr16-89849327-C-G.
Other names: c.1567-1G>C (NM_001286167.3).
Identifiers: ClinVar variation 1322872 (VCV001322872.8), dbSNP rs1464032361, ClinGen allele CA397458037.